The following is an entry in ClinVar:

NM_020320.5(RARS2):c.1415+2T>C

Gene: RARS2 (arginyl-tRNA synthetase 2, mitochondrial; minus strand). Cytogenetic location: 6q15.
Variant type: single nucleotide variant.
Coding change: c.1415+2T>C on transcript NM_020320.5 (MANE Select); the canonical splice donor site of the intron after coding-DNA position 1415, T replaced by C.
Molecular consequence: splice donor variant.
Genome position (GRCh38, 1-based): chr6:87,518,628, A>G on the plus strand (T>C on the coding strand, the complement: RARS2 is on the minus strand). VCF-style: chr6-87518628-A-G. GRCh37 (hg19) VCF-style: chr6-88228346-A-G.
Other names: c.1415+2T>C (NM_001350505.2); c.890+2T>C (NM_001350509.2, NM_001318785.2, NM_001350506.2 and 4 more transcripts).
Identifiers: ClinVar variation 1508806 (VCV001508806.10), dbSNP rs772989345, ClinGen allele CA3916294.

ClinVar aggregate classification (germline): Likely pathogenic. Review status: criteria provided, multiple submitters, no conflicts (2 of 4 stars). 3 submissions from 3 submitters: Likely pathogenic (3). Last evaluated 2025-12-06.

Conditions:
Pontocerebellar hypoplasia type 6 (PCH6). Identifiers: Orphanet 166073, MedGen C1969084, MONDO:0012683, OMIM 611523.

Allele frequency attached by ClinVar (database versions not stated): gnomAD exomes below 0.00001 and 0.00001; ExAC 0.00001.
gnomAD v4.1: 2 of 1,609,468 alleles (0.00012%); highest among the groups gnomAD compares: South Asian, 0.0022%; no homozygotes.

Submissions (3):

Labcorp Genetics (formerly Invitae), Labcorp
Classification: Likely pathogenic. Last evaluated: 2025-12-06. Review status: criteria provided, single submitter. Criteria: Invitae Variant Classification Sherloc (09022015). Collection method: clinical testing. Allele origin: germline.
Comment: This sequence change affects a donor splice site in intron 16 of the RARS2 gene. It is expected to disrupt RNA splicing. Variants that disrupt the donor or acceptor splice site typically lead to a loss of protein function (PMID: 16199547), and loss-of-function variants in RARS2 are known to be pathogenic (PMID: 17847012, 22569581, 26083569). This variant is present in population databases (rs772989345, gnomAD 0.007%). This variant has not been reported in the literature in individuals affected with RARS2-related conditions. ClinVar contains an entry for this variant (Variation ID: 1508806). Algorithms developed to predict the effect of sequence changes on RNA splicing suggest that this variant may disrupt the consensus splice site. In summary, the currently available evidence indicates that the variant is pathogenic, but additional data are needed to prove that conclusively. Therefore, this variant has been classified as Likely Pathogenic.

Baylor Genetics
Classification: Likely pathogenic for Pontocerebellar hypoplasia type 6. Last evaluated: 2023-10-03. Review status: criteria provided, single submitter. Criteria: ACMG Guidelines, 2015. Collection method: clinical testing. Allele origin: unknown.

Fulgent Genetics
Classification: Likely pathogenic for Pontocerebellar hypoplasia type 6. Last evaluated: 2022-03-12. Review status: criteria provided, single submitter. Criteria: ACMG Guidelines, 2015. Collection method: clinical testing. Allele origin: unknown.

Literature cited by the submitters: PubMed 16199547 (cited by Labcorp Genetics (formerly Invitae), Labcorp); PubMed 17847012 (cited by Labcorp Genetics (formerly Invitae), Labcorp); PubMed 22569581 (cited by Labcorp Genetics (formerly Invitae), Labcorp); PubMed 26083569 (cited by Labcorp Genetics (formerly Invitae), Labcorp).